The following is an entry in ClinVar:

NM_175914.5(HNF4A):c.7A>C (p.Ser3Arg)

Gene: HNF4A (hepatocyte nuclear factor 4 alpha; plus strand). Cytogenetic location: 20q13.12.
Variant type: single nucleotide variant.
Coding change: c.7A>C on transcript NM_175914.5 (MANE Select); coding-DNA position 7, A replaced by C.
Protein change: p.Ser3Arg; replaces serine 3 with arginine.
Molecular consequence: missense variant. On other transcripts: 5 prime UTR variant (3).
Genome position (GRCh38, 1-based): chr20:44,355,811, A>C. VCF-style: chr20-44355811-A-C. GRCh37 (hg19) VCF-style: chr20-42984451-A-C.
Other names: NM_175914.5(HNF4A):c.7A>C; p.Ser3Arg; c.7A>C, p.Ser3Arg (NM_001030003.3, NM_001030004.3); c.-225A>C (NM_001287182.2, NM_001287183.2, NM_001287184.2); short protein forms S3R.
Identifiers: ClinVar variation 1761584 (VCV001761584.9), dbSNP rs779464983, ClinGen allele CA9870022.

ClinVar aggregate classification (germline): Uncertain significance. Review status: reviewed by expert panel (3 of 4 stars). 5 submissions from 5 submitters: Uncertain significance (1). 4 of the submissions do not count toward it. Last evaluated 2025-01-03.

Conditions:
Fanconi renotubular syndrome 4 with maturity-onset diabetes of the young (FRTS4). Also called: FRTS4 WITH MODY. Identifiers: Orphanet 93111, MedGen C4014962, MONDO:0014458, OMIM 616026.
Maturity-onset diabetes of the young type 1. Also called: HNF4A-Related Maturity-Onset Diabetes of the Young Type 1; MILD JUVENILE DIABETES MELLITUS; MODY, type I; MODY type 1; Diabetes mellitus MODY type 1; MODY HNF4A related. Identifiers: Orphanet 552, MedGen C1852093, MONDO:0007452, OMIM 125850. Disease mechanism: loss of function.
Type 2 diabetes mellitus. Also called: Type II diabetes mellitus. Identifiers: MedGen C0011860, MeSH D003924, MONDO:0005148, OMIM 125853, HP:0005978.
HNF4A-related disorder. Also called: HNF4A-related condition.
Monogenic diabetes. Identifiers: Orphanet 183625, MedGen C3888631, MONDO:0015967.
Maturity-onset diabetes of the young (MODY). Also called: Maturity onset diabetes mellitus in young. Identifiers: Orphanet 552, MedGen C0342276, MONDO:0018911, HP:0004904.

Allele frequency attached by ClinVar (database versions not stated): TOPMed 0.00002; gnomAD 0.00003; ExAC 0.00004.
gnomAD v4.1: 43 of 1,613,592 alleles (0.0027%); highest among the groups gnomAD compares: Middle Eastern, 0.033%; no homozygotes.

Submissions (5):

ClinGen Monogenic Diabetes Variant Curation Expert Panel
Classification: Uncertain significance for Monogenic diabetes. Last evaluated: 2025-01-03. Review status: reviewed by expert panel. Criteria: ClinGen Diabetes ACMG Specifications HNF4A V2.0.0. Collection method: curation. Allele origin: germline. Inheritance: Autosomal dominant inheritance.
Comment: The c.7A>C variant in the hepatocyte nuclear factor 4-alpha gene, HNF4A, causes an amino acid change of serine to arginine at codon 3 (p.(Ser3Arg)) of NM_175914.5. This variant has a REVEL score of 0.256, which is between the ClinGen MDEP thresholds for BP4 and PP3, predicting neither a damaging nor benign impact on HNF4A function. While c.7A>C has a GrpMax filtering allele frequency of less than 0.000003 in the European non-Finnish population in gnomAD v2.1.1, but it has 11 copies in the Ashkenazi Jewish subpopulation; therefore, this variant does not meet the ClinGen MDEP-established cutoff for PM2_Supporting. This variant was identified in 3 unrelated individuals with non-autoimmune and non-absolute/near-absolute insulin-deficient diabetes; however, PS4_Moderate cannot be applied because this number is below the ClinGen MDEP threshold (internal lab contributors). One of these individuals had an alternate molecular basis for disease (BP5; internal lab contributors). In summary, c.7A>C meets the criteria to be classified as a variant of uncertain significance for monogenic diabetes. ACMG/AMP criteria applied, as specified by the ClinGen MDEP (specification version 2.0.0, approved 10/11/2023): BP5.

PreventionGenetics, part of Exact Sciences
Classification: Uncertain significance for HNF4A-related condition. Last evaluated: 2026-05-27. Review status: criteria provided, single submitter. Criteria: ACMG Guidelines, 2015. Collection method: clinical testing. Allele origin: germline. Not counted in ClinVar's aggregate classification.
Comment: The HNF4A c.7A>C variant is predicted to result in the amino acid substitution p.Ser3Arg. To our knowledge, this variant has not been reported in the literature. This variant is reported in 0.11% of alleles in individuals of Ashkenazi Jewish descent in gnomAD. Although we suspect that this variant may be benign, at this time, the clinical significance of this variant is uncertain due to the absence of conclusive functional and genetic evidence.

Labcorp Genetics (formerly Invitae), Labcorp
Classification: Likely benign. Last evaluated: 2025-06-14. Review status: criteria provided, single submitter. Criteria: Invitae Variant Classification Sherloc (09022015). Collection method: clinical testing. Allele origin: germline. Not counted in ClinVar's aggregate classification.

New York Genome Center
Classification: Uncertain significance for Type 2 diabetes mellitus; Maturity-onset diabetes of the young type 1; Fanconi renotubular syndrome 4 with maturity-onset diabetes of the young. Last evaluated: 2022-02-23. Review status: criteria provided, single submitter. Criteria: NYGC Assertion Criteria 2020. Collection method: clinical testing. Allele origin: germline. Observed: 1 heterozygote. Not counted in ClinVar's aggregate classification.

Ambry Genetics
Classification: Uncertain significance for Maturity-onset diabetes of the young. Last evaluated: 2019-02-08. Review status: criteria provided, single submitter. Criteria: Ambry Variant Classification Scheme 2023. Collection method: clinical testing. Allele origin: germline. Not counted in ClinVar's aggregate classification.
Comment: The p.S3R variant (also known as c.7A>C), located in coding exon 1 of the HNF4A gene, results from an A to C substitution at nucleotide position 7. The serine at codon 3 is replaced by arginine, an amino acid with dissimilar properties. This amino acid position is highly conserved in available vertebrate species. In addition, the in silico prediction for this alteration is inconclusive. Since supporting evidence is limited at this time, the clinical significance of this alteration remains unclear.